The following is an entry in ClinVar:

ClinVar aggregate classification (germline): Uncertain significance. Review status: criteria provided, multiple submitters, no conflicts (2 of 4 stars). 6 submissions from 6 submitters: Uncertain significance (6). Last evaluated 2026-01-26.

Conditions:
Perlman syndrome (PRLMNS). Identifiers: Orphanet 2849, MedGen C0796113, MONDO:0009965, OMIM 267000.
Inborn genetic diseases. Identifiers: MedGen C0950123, MeSH D030342.

Allele frequency attached by ClinVar (database versions not stated): TOPMed 0.00005; gnomAD 0.00006 and 0.00007; ESP Exome Variant Server 0.00008; gnomAD exomes 0.00009 and 0.00011; 1000 Genomes Project 30x 0.00016; ExAC 0.00017; 1000 Genomes Project 0.00020.
gnomAD v4.1: 147 of 1,608,330 alleles (0.0091%); highest among the groups gnomAD compares: Middle Eastern, 0.035%; no homozygotes.

Submissions (6):

Labcorp Genetics (formerly Invitae), Labcorp
Classification: Uncertain significance for Perlman syndrome. Last evaluated: 2026-01-26. Review status: criteria provided, single submitter. Criteria: Invitae Variant Classification Sherloc (09022015). Collection method: clinical testing. Allele origin: germline.
Comment: This sequence change replaces valine, which is neutral and non-polar, with methionine, which is neutral and non-polar, at codon 791 of the DIS3L2 protein (p.Val791Met). This variant is present in population databases (rs374080052, gnomAD 0.02%). This variant has not been reported in the literature in individuals affected with DIS3L2-related conditions. ClinVar contains an entry for this variant (Variation ID: 410744). Invitae Evidence Modeling of protein sequence and biophysical properties (such as structural, functional, and spatial information, amino acid conservation, physicochemical variation, residue mobility, and thermodynamic stability) indicates that this missense variant is not expected to disrupt DIS3L2 protein function with a negative predictive value of 80%. In summary, the available evidence is currently insufficient to determine the role of this variant in disease. Therefore, it has been classified as a Variant of Uncertain Significance.

St. Jude Molecular Pathology, St. Jude Children's Research Hospital
Classification: Uncertain significance for Perlman syndrome. Last evaluated: 2025-06-17. Review status: criteria provided, single submitter. Criteria: St. Jude Assertion Criteria 2020. Collection method: clinical testing. Allele origin: germline.
Comment: The DIS3L2 c.2371G>A p.(Val791Met) missense change has a maximum non-founder subpopulation frequency of 0.014% in gnomAD v2.1.1. The in silico tool REVEL predicts a benign effect on protein function, but to our knowledge this prediction has not been confirmed by functional studies. To our knowledge, this variant has not been reported in individuals with Perlman syndrome. In summary, the evidence currently available is insufficient to determine the clinical significance of this variant. It has therefore been classified as of uncertain significance.

GeneDx
Classification: Uncertain significance. Last evaluated: 2025-01-22. Review status: criteria provided, single submitter. Criteria: GeneDx Variant Classification Process June 2021. Collection method: clinical testing. Allele origin: germline. Affected: yes.
Comment: In silico analysis indicates that this missense variant does not alter protein structure/function; Has not been previously published as pathogenic or benign to our knowledge

Fulgent Genetics
Classification: Uncertain significance for Perlman syndrome. Last evaluated: 2024-03-19. Review status: criteria provided, single submitter. Criteria: ACMG Guidelines, 2015. Collection method: clinical testing. Allele origin: germline.

Revvity Omics, Revvity
Classification: Uncertain significance for Perlman syndrome. Last evaluated: 2023-02-21. Review status: criteria provided, single submitter. Criteria: ACMG Guidelines, 2015. Collection method: clinical testing. Allele origin: germline.

Ambry Genetics
Classification: Uncertain significance for Inborn genetic diseases. Last evaluated: 2021-08-16. Review status: criteria provided, single submitter. Criteria: Ambry Variant Classification Scheme 2023. Collection method: clinical testing. Allele origin: germline.

NM_152383.5(DIS3L2):c.2371G>A (p.Val791Met)

Gene: DIS3L2 (DIS3 like 3'-5' exoribonuclease 2; plus strand). Cytogenetic location: 2q37.1.
Variant type: single nucleotide variant.
Coding change: c.2371G>A on transcript NM_152383.5 (MANE Select); coding-DNA position 2371, G replaced by A.
Protein change: p.Val791Met; replaces valine 791 with methionine.
Molecular consequence: missense variant. On other transcripts: non-coding transcript variant (2), intron variant (1).
Genome position (GRCh38, 1-based): chr2:232,334,712, G>A. VCF-style: chr2-232334712-G-A. GRCh37 (hg19) VCF-style: chr2-233199422-G-A.
Other names: c.1582-8633G>A (NM_001257281.2); short protein forms V791M.
Identifiers: ClinVar variation 410744 (VCV000410744.17), dbSNP rs374080052, ClinGen allele CA2164515.
Genomic context (GRCh38, chr2:232,334,712, plus strand): 5'-GAAGCCATGGTGATGGGCATCCTGAAGCAAGCCTTCGACGTGCTGGTGCTGCGCTACGGC[G>A]TGCAGAAGCGCATCTACTGCAACGTGAGTGCCCTGGGAGAGCCCGGGGGCGGGCAGGGCA-3'
Protein context (NP_689596.4, residues 781-801): AFDVLVLRYG[Val791Met]QKRIYCNALA